The following is an entry in ClinVar:

ClinVar aggregate classification (germline): Benign/Likely benign. Review status: criteria provided, multiple submitters, no conflicts (2 of 4 stars). 5 submissions from 5 submitters: Benign (1); Likely benign (4). Last evaluated 2025-03-26.

Conditions:
Hereditary breast ovarian cancer syndrome. Also called: Hereditary breast and ovarian cancer syndrome; Hereditary breast and ovarian cancer; Hereditary breast and ovarian cancer syndrome (HBOC); Breast and ovarian cancer; Hereditary breast and/or ovarian cancer syndrome; BRCA1- and BRCA2-Associated Hereditary Breast and Ovarian Cancer. Identifiers: Orphanet 145, MedGen C0677776, MeSH D061325, MONDO:0003582. Disease mechanism: loss of function.
BRCA2-related cancer predisposition. Identifiers: MedGen CN377758, MONDO:0700269.
Hereditary cancer-predisposing syndrome. Also called: Neoplastic Syndromes, Hereditary; Tumor predisposition; Hereditary Cancer Syndrome; Hereditary neoplastic syndrome. Identifiers: Orphanet 140162, MedGen C0027672, MeSH D009386, MONDO:0015356.

Allele frequency attached by ClinVar (database versions not stated): gnomAD exomes below 0.00001.
gnomAD v4.1: 3 of 1,610,534 alleles (0.00019%); highest among the groups gnomAD compares: Non-Finnish European, 0.00025%; no homozygotes.

Submissions (5):

Labcorp Genetics (formerly Invitae), Labcorp
Classification: Likely benign for Hereditary breast ovarian cancer syndrome. Last evaluated: 2025-03-26. Review status: criteria provided, single submitter. Criteria: Invitae Variant Classification Sherloc (09022015). Collection method: clinical testing. Allele origin: germline.

All of Us Research Program, National Institutes of Health
Classification: Likely benign for BRCA2-related cancer predisposition. Last evaluated: 2024-08-06. Review status: criteria provided, single submitter. Criteria: ACMG Guidelines, 2015. Collection method: clinical testing. Allele origin: germline. Inheritance: Autosomal dominant inheritance. Observed: 1 variant allele, 1 heterozygote.
Comment: This study involves interpretation of variants in research participants for the purpose of population health screening. Participant phenotype was not available at the time of variant classification. Additional details can be found in publication PMID: 35346344, PMCID: PMC8962531

Color Diagnostics, LLC DBA Color Health
Classification: Likely benign for Hereditary cancer-predisposing syndrome. Last evaluated: 2018-05-09. Review status: criteria provided, single submitter. Criteria: ACMG Guidelines, 2015. Collection method: clinical testing. Allele origin: germline.

Ambry Genetics
Classification: Likely benign for Hereditary cancer-predisposing syndrome. Last evaluated: 2016-06-30. Review status: criteria provided, single submitter. Criteria: Ambry Variant Classification Scheme 2023. Collection method: clinical testing. Allele origin: germline.

GeneDx
Classification: Benign. Last evaluated: 2015-03-03. Review status: criteria provided, single submitter. Criteria: GeneDx Variant Classification Process June 2021. Collection method: clinical testing. Allele origin: germline. Affected: yes.

NM_000059.4(BRCA2):c.2013T>C (p.Ser671=)

Gene: BRCA2 (BRCA2 DNA repair associated; plus strand). Cytogenetic location: 13q13.1.
Variant type: single nucleotide variant.
Coding change: c.2013T>C on transcript NM_000059.4 (MANE Select); coding-DNA position 2013, T replaced by C.
Protein change: p.Ser671=; no amino-acid change (serine 671 retained).
Molecular consequence: synonymous variant.
Genome position (GRCh38, 1-based): chr13:32,336,368, T>C. VCF-style: chr13-32336368-T-C. GRCh37 (hg19) VCF-style: chr13-32910505-T-C.
Identifiers: ClinVar variation 481558 (VCV000481558.20), dbSNP rs1555282399, ClinGen allele CA483275007.